The following is an entry in ClinVar:

NM_001082486.2(ACD):c.-30C>A

Gene: ACD (ACD shelterin complex subunit and telomerase recruitment factor; minus strand). Cytogenetic location: 16q22.1.
Variant type: single nucleotide variant.
Coding change: c.-30C>A on transcript NM_001082486.2 (MANE Select); 30 bases upstream of the start codon, C replaced by A.
Molecular consequence: 5 prime UTR variant.
Genome position (GRCh38, 1-based): chr16:67,660,250, G>T on the plus strand (C>A on the coding strand, the complement: ACD is on the minus strand). VCF-style: chr16-67660250-G-T. GRCh37 (hg19) VCF-style: chr16-67694153-G-T.
Other names: c.-30C>A (NM_001410884.1, NM_022914.3).
Identifiers: ClinVar variation 1789222 (VCV001789222.2), dbSNP rs2052979977, ClinGen allele CA396359329.

ClinVar aggregate classification (germline): Uncertain significance (1 of 4 stars; one submission).

Conditions:
Inborn genetic diseases. Identifiers: MedGen C0950123, MeSH D030342.

gnomAD v4.1: 3 of 1,612,404 alleles (0.00019%); highest among the groups gnomAD compares: Non-Finnish European, 0.00025%; no homozygotes.

Submission:

Ambry Genetics
Classification: Uncertain significance for Inborn genetic diseases. Last evaluated: 2022-05-22. Review status: criteria provided, single submitter. Criteria: Ambry Variant Classification Scheme 2023. Collection method: clinical testing. Allele origin: germline.
Comment: The p.P77T variant (also known as c.229C>A), located in coding exon 1 of the ACD gene, results from a C to A substitution at nucleotide position 229. The proline at codon 77 is replaced by threonine, an amino acid with highly similar properties. This amino acid position is conserved. In addition, this alteration is predicted to be tolerated by in silico analysis. Since supporting evidence is limited at this time, the clinical significance of this alteration remains unclear.